The following is an entry in ClinVar:

NM_017802.4(DNAAF5):c.150G>T (p.Leu50Phe)

Genes: PRKAR1B (protein kinase cAMP-dependent type I regulatory subunit beta; minus strand), DNAAF5 (dynein axonemal assembly factor 5; plus strand), LOC129997730 (ATAC-STARR-seq lymphoblastoid silent region 17816; plus strand). Cytogenetic location: 7p22.3.
Variant type: single nucleotide variant.
Coding change: c.150G>T on transcript NM_017802.4 (MANE Select); coding-DNA position 150, G replaced by T.
Protein change: p.Leu50Phe; replaces leucine 50 with phenylalanine.
Molecular consequence: missense variant. On other transcripts: non-coding transcript variant (1), intron variant (3).
Genome position (GRCh38, 1-based): chr7:726,870, G>T. VCF-style: chr7-726870-G-T. GRCh37 (hg19) VCF-style: chr7-766507-G-T.
Other names: c.-23+785C>A (NM_001164759.1); c.-23+720C>A (NM_001164758.2); c.-23+340C>A (NM_001164760.2); short protein forms L50F.
Identifiers: ClinVar variation 2070567 (VCV002070567.3), dbSNP rs1006499632, ClinGen allele CA152333372.
Genomic context (GRCh38, chr7:726,870, plus strand): 5'-CCTGAGCCGCCTGCTGCCGGGGCTGGAGGCCGACAGCAAGCCGGGCCGGCGGCGCGCCTT[G>T]GAGGCCCTGCGGCGCGCGCTGGAGGAGCCAGGCCCTGCCGCCGACCCCACCGCTTTCCAG-3'
Protein context (NP_060272.3, residues 40-60): ADSKPGRRRA[Leu50Phe]EALRRALEEP

ClinVar aggregate classification (germline): Uncertain significance (1 of 4 stars; one submission).

Conditions:
Primary ciliary dyskinesia. Also called: Ciliary dyskinesia. Identifiers: Orphanet 244, MedGen C0008780, MONDO:0016575, HP:0012265.

Allele frequency attached by ClinVar (database versions not stated): gnomAD exomes 0.00009.
gnomAD v4.1: 108 of 1,321,322 alleles (0.0082%); highest among the groups gnomAD compares: Non-Finnish European, 0.01%; no homozygotes.

Submission:

Labcorp Genetics (formerly Invitae), Labcorp
Classification: Uncertain significance for Primary ciliary dyskinesia. Last evaluated: 2022-07-01. Review status: criteria provided, single submitter. Criteria: Invitae Variant Classification Sherloc (09022015). Collection method: clinical testing. Allele origin: germline.
Comment: Algorithms developed to predict the effect of missense changes on protein structure and function are either unavailable or do not agree on the potential impact of this missense change (SIFT: "Deleterious"; PolyPhen-2: "Possibly Damaging"; Align-GVGD: "Class C0"). In summary, the available evidence is currently insufficient to determine the role of this variant in disease. Therefore, it has been classified as a Variant of Uncertain Significance. This variant has not been reported in the literature in individuals affected with DNAAF5-related conditions. This sequence change replaces leucine, which is neutral and non-polar, with phenylalanine, which is neutral and non-polar, at codon 50 of the DNAAF5 protein (p.Leu50Phe). This variant is not present in population databases (gnomAD no frequency).